The following is an entry in ClinVar:

NM_005732.4(RAD50):c.1850G>T (p.Arg617Ile)

Gene: RAD50 (RAD50 double strand break repair protein; plus strand). Cytogenetic location: 5q31.1.
Variant type: single nucleotide variant.
Coding change: c.1850G>T on transcript NM_005732.4 (MANE Select); coding-DNA position 1850, G replaced by T.
Protein change: p.Arg617Ile; replaces arginine 617 with isoleucine.
Molecular consequence: missense variant.
Genome position (GRCh38, 1-based): chr5:132,594,925, G>T. VCF-style: chr5-132594925-G-T. GRCh37 (hg19) VCF-style: chr5-131930617-G-T.
Other names: short protein forms R617I.
Identifiers: ClinVar variation 3429526 (VCV003429526.1).

ClinVar aggregate classification (germline): Uncertain significance (1 of 4 stars; one submission).

Conditions:
Hereditary cancer-predisposing syndrome. Also called: Neoplastic Syndromes, Hereditary; Tumor predisposition; Hereditary Cancer Syndrome; Hereditary neoplastic syndrome. Identifiers: Orphanet 140162, MedGen C0027672, MeSH D009386, MONDO:0015356.

Submission:

Ambry Genetics
Classification: Uncertain significance for Hereditary cancer-predisposing syndrome. Last evaluated: 2024-11-10. Review status: criteria provided, single submitter. Criteria: Ambry Variant Classification Scheme 2023. Collection method: clinical testing. Allele origin: germline.
Comment: The p.R617I variant (also known as c.1850G>T), located in coding exon 12 of the RAD50 gene, results from a G to T substitution at nucleotide position 1850. The arginine at codon 617 is replaced by isoleucine, an amino acid with similar properties. This amino acid position is conserved. In addition, this alteration is predicted to be tolerated by in silico analysis. Based on the available evidence, the clinical significance of this variant remains unclear.